The following is an entry in ClinVar:

ClinVar aggregate classification (germline): Uncertain significance (1 of 4 stars; one submission).

Allele frequency attached by ClinVar (database versions not stated): TOPMed 0.00001; ESP Exome Variant Server 0.00008; ExAC 0.00001; gnomAD 0.00001.
gnomAD v4.1: 21 of 1,613,950 alleles (0.0013%); highest among the groups gnomAD compares: Non-Finnish European, 0.0017%; no homozygotes.

Submission:

Labcorp Genetics (formerly Invitae), Labcorp
Classification: Uncertain significance. Last evaluated: 2023-10-17. Review status: criteria provided, single submitter. Criteria: Invitae Variant Classification Sherloc (09022015). Collection method: clinical testing. Allele origin: germline.
Comment: This sequence change replaces threonine, which is neutral and polar, with methionine, which is neutral and non-polar, at codon 274 of the GNB3 protein (p.Thr274Met). This variant is present in population databases (rs143381578, gnomAD 0.0009%). This variant has not been reported in the literature in individuals affected with GNB3-related conditions. Advanced modeling of protein sequence and biophysical properties (such as structural, functional, and spatial information, amino acid conservation, physicochemical variation, residue mobility, and thermodynamic stability) performed at Invitae indicates that this missense variant is expected to disrupt GNB3 protein function. In summary, the available evidence is currently insufficient to determine the role of this variant in disease. Therefore, it has been classified as a Variant of Uncertain Significance.

NM_002075.4(GNB3):c.821C>T (p.Thr274Met)

Genes: CDCA3 (cell division cycle associated 3; minus strand), GNB3 (G protein subunit beta 3; plus strand). Cytogenetic location: 12p13.31.
Variant type: single nucleotide variant.
Coding change: c.821C>T on transcript NM_002075.4 (MANE Select); coding-DNA position 821, C replaced by T.
Protein change: p.Thr274Met; replaces threonine 274 with methionine.
Molecular consequence: missense variant. On other transcripts: 3 prime UTR variant (1).
Genome position (GRCh38, 1-based): chr12:6,845,707, C>T. VCF-style: chr12-6845707-C-T. GRCh37 (hg19) VCF-style: chr12-6954871-C-T.
Other names: c.818C>T, p.Thr273Met (NM_001297571.2); c.*1081G>A (NM_001297603.3); short protein forms T273M, T274M.
Identifiers: ClinVar variation 2796559 (VCV002796559.3), dbSNP rs143381578, ClinGen allele CA6417672.